The following is an entry in ClinVar:

NM_182961.4(SYNE1):c.17702C>A (p.Ala5901Asp)

Gene: SYNE1 (spectrin repeat containing nuclear envelope protein 1; minus strand). Cytogenetic location: 6q25.2.
Variant type: single nucleotide variant.
Coding change: c.17702C>A on transcript NM_182961.4 (MANE Select); coding-DNA position 17702, C replaced by A.
Protein change: p.Ala5901Asp; replaces alanine 5901 with aspartic acid.
Molecular consequence: missense variant.
Genome position (GRCh38, 1-based): chr6:152,294,108, G>T on the plus strand (C>A on the coding strand, the complement: SYNE1 is on the minus strand). VCF-style: chr6-152294108-G-T. GRCh37 (hg19) VCF-style: chr6-152615243-G-T.
Other names: c.17489C>A, p.Ala5830Asp (NM_033071.5); short protein forms A5830D, A5901D.
Identifiers: ClinVar variation 4682263 (VCV004682263.1).

ClinVar aggregate classification (germline): Uncertain significance (1 of 4 stars; one submission).

gnomAD v4.1: 1 of 1,613,642 alleles (0.000062%); highest among the groups gnomAD compares: Non-Finnish European, 0.000085%; no homozygotes.

Submission:

Athena Diagnostics
Classification: Uncertain significance. Last evaluated: 2025-04-03. Review status: criteria provided, single submitter. Criteria: Athena Diagnostics Criteria. Collection method: clinical testing. Allele origin: unknown.
Comment: Available data are insufficient to determine the clinical significance of the variant at this time. The frequency of this variant in the general population is uninformative in assessment of its pathogenicity. Polyphen and MutationTaster predict this amino acid change may be benign.